The following is an entry in ClinVar:

ClinVar aggregate classification (germline): Uncertain significance. Review status: criteria provided, multiple submitters, no conflicts (2 of 4 stars). 2 submissions from 2 submitters: Uncertain significance (2). Last evaluated 2026-08-24.

Conditions:
Long QT syndrome (LQTS). Identifiers: MedGen C0023976, MeSH D008133, MONDO:0002442. Disease mechanism: loss of function. Inheritance: Various modes of inheritance.
Cardiovascular phenotype. Identifiers: MedGen CN230736.

Allele frequency attached by ClinVar (database versions not stated): TOPMed below 0.00001; gnomAD 0.00001.

Submissions (2):

Ambry Genetics
Classification: Uncertain significance for Cardiovascular phenotype. Last evaluated: 2026-08-24. Review status: criteria provided, single submitter. Criteria: Ambry Variant Classification Scheme 2023. Collection method: clinical testing. Allele origin: germline.
Comment: The c.916+3G>A intronic variant results from a G to A substitution 3 nucleotides after coding exon 4 in the KCNH2 gene. This nucleotide position is well conserved in available vertebrate species. In silico splice site analysis predicts that this alteration will not have any significant effect on splicing. Based on the available evidence, the clinical significance of this variant remains unclear.

Labcorp Genetics (formerly Invitae), Labcorp
Classification: Uncertain significance for Long QT syndrome. Last evaluated: 2024-03-16. Review status: criteria provided, single submitter. Criteria: Invitae Variant Classification Sherloc (09022015). Collection method: clinical testing. Allele origin: germline.
Comment: This sequence change falls in intron 4 of the KCNH2 gene. It does not directly change the encoded amino acid sequence of the KCNH2 protein. It affects a nucleotide within the consensus splice site. This variant is not present in population databases (gnomAD no frequency). This variant has not been reported in the literature in individuals affected with KCNH2-related conditions. ClinVar contains an entry for this variant (Variation ID: 519387). Variants that disrupt the consensus splice site are a relatively common cause of aberrant splicing (PMID: 17576681, 9536098). Algorithms developed to predict the effect of sequence changes on RNA splicing suggest that this variant is not likely to affect RNA splicing. In summary, the available evidence is currently insufficient to determine the role of this variant in disease. Therefore, it has been classified as a Variant of Uncertain Significance.

Literature cited by the submitters: PubMed 17576681 (cited by Labcorp Genetics (formerly Invitae), Labcorp); PubMed 9536098 (cited by Labcorp Genetics (formerly Invitae), Labcorp).

NM_000238.4(KCNH2):c.916+3G>A

Gene: KCNH2 (potassium voltage-gated channel subfamily H member 2; minus strand). Cytogenetic location: 7q36.1.
Variant type: single nucleotide variant.
Coding change: c.916+3G>A on transcript NM_000238.4 (MANE Select); 3 bases into the intron after coding-DNA position 916, G replaced by A.
Molecular consequence: intron variant.
Genome position (GRCh38, 1-based): chr7:150,958,056, C>T on the plus strand (G>A on the coding strand, the complement: KCNH2 is on the minus strand). VCF-style: chr7-150958056-C-T. GRCh37 (hg19) VCF-style: chr7-150655144-C-T.
Other names: c.628+3G>A (NM_001406753.1, NM_001406756.1); c.916+3G>A (NM_172056.3); c.739+3G>A (NM_001406755.1); c.616+3G>A (NM_001406757.1).
Identifiers: ClinVar variation 519387 (VCV000519387.10), dbSNP rs1554427591, ClinGen allele CA658797043.